The following is an entry in ClinVar:

NM_002936.6(RNASEH1):c.331G>A (p.Ala111Thr)

Gene: RNASEH1 (ribonuclease H1; minus strand). Cytogenetic location: 2p25.3.
Variant type: single nucleotide variant.
Coding change: c.331G>A on transcript NM_002936.6 (MANE Select); coding-DNA position 331, G replaced by A.
Protein change: p.Ala111Thr; replaces alanine 111 with threonine.
Molecular consequence: missense variant. On other transcripts: 5 prime UTR variant (1), non-coding transcript variant (7).
Genome position (GRCh38, 1-based): chr2:3,552,222, C>T on the plus strand (G>A on the coding strand, the complement: RNASEH1 is on the minus strand). VCF-style: chr2-3552222-C-T. GRCh37 (hg19) VCF-style: chr2-3599812-C-T.
Other names: c.253G>A, p.Ala85Thr (NM_001286834.3); c.-21G>A (NM_001286837.3); c.331G>A, p.Ala111Thr (NM_001378271.1, NM_001378272.1, NM_001378273.1); c.331G>A (NM_002936.3); short protein forms A85T, A111T.
Identifiers: ClinVar variation 1421216 (VCV001421216.5), dbSNP rs746643523, ClinGen allele CA1516321.

ClinVar aggregate classification (germline): Uncertain significance. Review status: criteria provided, multiple submitters, no conflicts (2 of 4 stars). 2 submissions from 2 submitters: Uncertain significance (2). Last evaluated 2024-12-14.

Conditions:
Inborn genetic diseases. Identifiers: MedGen C0950123, MeSH D030342.

Allele frequency attached by ClinVar (database versions not stated): ExAC 0.00005; gnomAD exomes 0.00006 and 0.00010; gnomAD 0.00010; TOPMed 0.00012.
gnomAD v4.1: 162 of 1,613,514 alleles (0.01%); highest among the groups gnomAD compares: Admixed American, 0.027%; no homozygotes.

Submissions (2):

Ambry Genetics
Classification: Uncertain significance for Inborn genetic diseases. Last evaluated: 2024-12-14. Review status: criteria provided, single submitter. Criteria: Ambry Variant Classification Scheme 2023. Collection method: clinical testing. Allele origin: germline.

Labcorp Genetics (formerly Invitae), Labcorp
Classification: Uncertain significance. Last evaluated: 2023-10-03. Review status: criteria provided, single submitter. Criteria: Invitae Variant Classification Sherloc (09022015). Collection method: clinical testing. Allele origin: germline.
Comment: This sequence change replaces alanine, which is neutral and non-polar, with threonine, which is neutral and polar, at codon 111 of the RNASEH1 protein (p.Ala111Thr). This variant is present in population databases (rs746643523, gnomAD 0.03%). This variant has not been reported in the literature in individuals affected with RNASEH1-related conditions. ClinVar contains an entry for this variant (Variation ID: 1421216). Algorithms developed to predict the effect of missense changes on protein structure and function output the following: SIFT: "Not Available"; PolyPhen-2: "Benign"; Align-GVGD: "Not Available". The threonine amino acid residue is found in multiple mammalian species, which suggests that this missense change does not adversely affect protein function. In summary, the available evidence is currently insufficient to determine the role of this variant in disease. Therefore, it has been classified as a Variant of Uncertain Significance.